The following is an entry in ClinVar:

ClinVar aggregate classification (germline): Uncertain significance (1 of 4 stars; one submission).

Conditions:
Hereditary breast ovarian cancer syndrome. Also called: Hereditary breast and ovarian cancer syndrome; Hereditary breast and ovarian cancer syndrome (HBOC); BRCA1- and BRCA2-Associated Hereditary Breast and Ovarian Cancer; Hereditary breast and ovarian cancer; Breast and ovarian cancer; Hereditary breast and/or ovarian cancer syndrome. Identifiers: Orphanet 145, MedGen C0677776, MeSH D061325, MONDO:0003582. Disease mechanism: loss of function.

Submission:

Labcorp Genetics (formerly Invitae), Labcorp
Classification: Uncertain significance for Hereditary breast ovarian cancer syndrome. Last evaluated: 2025-01-29. Review status: criteria provided, single submitter. Criteria: Invitae Variant Classification Sherloc (09022015). Collection method: clinical testing. Allele origin: germline.
Comment: This sequence change replaces valine, which is neutral and non-polar, with leucine, which is neutral and non-polar, at codon 1775 of the BRCA2 protein (p.Val1775Leu). This variant is not present in population databases (gnomAD no frequency). This variant has not been reported in the literature in individuals affected with BRCA2-related conditions. Invitae Evidence Modeling of protein sequence and biophysical properties (such as structural, functional, and spatial information, amino acid conservation, physicochemical variation, residue mobility, and thermodynamic stability) indicates that this missense variant is not expected to disrupt BRCA2 protein function with a negative predictive value of 95%. In summary, the available evidence is currently insufficient to determine the role of this variant in disease. Therefore, it has been classified as a Variant of Uncertain Significance.

NM_000059.4(BRCA2):c.5323G>T (p.Val1775Leu)

Gene: BRCA2 (BRCA2 DNA repair associated; plus strand). Cytogenetic location: 13q13.1.
Variant type: single nucleotide variant.
Coding change: c.5323G>T on transcript NM_000059.4 (MANE Select); coding-DNA position 5323, G replaced by T.
Protein change: p.Val1775Leu; replaces valine 1775 with leucine.
Molecular consequence: missense variant. On other transcripts: non-coding transcript variant (1), intron variant (2).
Genome position (GRCh38, 1-based): chr13:32,339,678, G>T. VCF-style: chr13-32339678-G-T. GRCh37 (hg19) VCF-style: chr13-32913815-G-T.
Other names: c.5323G>T, p.Val1775Leu (NM_001406719.1, NM_001406720.1, NM_001432077.1); c.1910-4880G>T (NM_001406721.1); c.425-4880G>T (NM_001406722.1); short protein forms V1775L.
Identifiers: ClinVar variation 3636491 (VCV003636491.2).